The following is an entry in ClinVar:

ClinVar aggregate classification (germline): Uncertain significance (1 of 4 stars; one submission).

Conditions:
Cardiovascular phenotype. Identifiers: MedGen CN230736.

gnomAD v4.1: 8 of 1,549,524 alleles (0.00052%); highest among the groups gnomAD compares: African/African-American, 0.011%; no homozygotes.

Submission:

Ambry Genetics
Classification: Uncertain significance for Cardiovascular phenotype. Last evaluated: 2023-09-25. Review status: criteria provided, single submitter. Criteria: Ambry Variant Classification Scheme 2023. Collection method: clinical testing. Allele origin: germline.
Comment: The p.F690L variant (also known as c.2070C>A), located in coding exon 1 of the ZNF469 gene, results from a C to A substitution at nucleotide position 2070. The phenylalanine at codon 690 is replaced by leucine, an amino acid with highly similar properties. This amino acid position is conserved. In addition, this alteration is predicted to be tolerated by in silico analysis. Since supporting evidence is limited at this time, the clinical significance of this alteration remains unclear.

NM_001367624.2(ZNF469):c.2070C>A (p.Phe690Leu)

Gene: ZNF469 (zinc finger protein 469; plus strand). Cytogenetic location: 16q24.2.
Variant type: single nucleotide variant.
Coding change: c.2070C>A on transcript NM_001367624.2 (MANE Select); coding-DNA position 2070, C replaced by A.
Protein change: p.Phe690Leu; replaces phenylalanine 690 with leucine.
Molecular consequence: missense variant.
Genome position (GRCh38, 1-based): chr16:88,429,540, C>A. VCF-style: chr16-88429540-C-A. GRCh37 (hg19) VCF-style: chr16-88495948-C-A.
Other names: NM_001127464.1:c.2070C>A; short protein forms F690L.
Identifiers: ClinVar variation 3232766 (VCV003232766.1), dbSNP rs867021038, ClinGen allele CA286373336.
Genomic context (GRCh38, chr16:88,429,540, plus strand): 5'-TTTTCCCGCAGATGGGCTGGGAGCCGAGGGTGCCTTCCAGTGCCTGGAGGAGACCCCATT[C>A]CCCCACGAGGGCCCCGAGGTGGGTCGGGGAGGGCTGCAGGGCTTCCCCCGTGCGCCGCCT-3'
Protein context (NP_001354553.1, residues 680-700): GAFQCLEETP[Phe690Leu]PHEGPEVGRG